The following is an entry in ClinVar:

NM_000719.7(CACNA1C):c.2330A>G (p.Lys777Arg)

Gene: CACNA1C (calcium voltage-gated channel subunit alpha1 C; plus strand). Cytogenetic location: 12p13.33.
Variant type: single nucleotide variant.
Coding change: c.2330A>G on transcript NM_000719.7 (MANE Select); coding-DNA position 2330, A replaced by G.
Protein change: p.Lys777Arg; replaces lysine 777 with arginine.
Molecular consequence: missense variant.
Genome position (GRCh38, 1-based): chr12:2,584,608, A>G. VCF-style: chr12-2584608-A-G. GRCh37 (hg19) VCF-style: chr12-2693774-A-G.
Other names: c.2330A>G, p.Lys777Arg (NM_001129832.2, NM_001129833.2, NM_001129834.2 and 18 more transcripts); c.2321A>G, p.Lys774Arg (NM_001129844.2); short protein forms K774R, K777R.
Identifiers: ClinVar variation 2977481 (VCV002977481.3), dbSNP rs2515293204, ClinGen allele CA383371574.

ClinVar aggregate classification (germline): Uncertain significance (1 of 4 stars; one submission).

Conditions:
Long QT syndrome (LQTS). Identifiers: MedGen C0023976, MeSH D008133, MONDO:0002442. Disease mechanism: loss of function. Inheritance: Various modes of inheritance.

Submission:

Labcorp Genetics (formerly Invitae), Labcorp
Classification: Uncertain significance for Long QT syndrome. Last evaluated: 2023-07-08. Review status: criteria provided, single submitter. Criteria: Invitae Variant Classification Sherloc (09022015). Collection method: clinical testing. Allele origin: germline.
Comment: This variant is not present in population databases (gnomAD no frequency). This variant has not been reported in the literature in individuals affected with CACNA1C-related conditions. Advanced modeling of protein sequence and biophysical properties (such as structural, functional, and spatial information, amino acid conservation, physicochemical variation, residue mobility, and thermodynamic stability) performed at Invitae indicates that this missense variant is not expected to disrupt CACNA1C protein function. In summary, the available evidence is currently insufficient to determine the role of this variant in disease. Therefore, it has been classified as a Variant of Uncertain Significance. This sequence change replaces lysine, which is basic and polar, with arginine, which is basic and polar, at codon 777 of the CACNA1C protein (p.Lys777Arg).